The following is an entry in ClinVar:

NR_001566.3(TERC):n.107G>T

Genes: TERC (telomerase RNA component; minus strand), LOC110806306 (telomerase RNA component (TERC) promoter; plus strand). Cytogenetic location: 3q26.2.
Variant type: single nucleotide variant.
Genome position: GRCh38 VCF-style: chr3-169764954-C-A. GRCh37 (hg19) VCF-style: chr3-169482742-C-A.
Identifiers: ClinVar variation 446377 (VCV000446377.3), dbSNP rs1553915617, ClinGen allele CA436715782.

ClinVar aggregate classification (germline): Pathogenic/Likely pathogenic. Review status: criteria provided, multiple submitters, no conflicts (2 of 4 stars). 3 submissions from 3 submitters: Pathogenic (1); Likely pathogenic (2). Last evaluated 2025-09-23.

Conditions:
Pulmonary fibrosis and/or bone marrow failure, Telomere-related, 2. Also called: PULMONARY FIBROSIS AND/OR BONE MARROW FAILURE SYNDROME, TELOMERE-RELATED, 2. Identifiers: Orphanet 88, MedGen C3553622, MONDO:0013879, OMIM 614743.
TERC-related disorder. Also called: TERC-related condition.

Submissions (3):

Mayo Clinic Laboratories, Mayo Clinic
Classification: Likely pathogenic. Last evaluated: 2025-09-23. Review status: criteria provided, single submitter. Criteria: ACMG Guidelines, 2015. Collection method: clinical testing. Allele origin: germline. Observed: 1 variant allele.
Comment: PP1, PP4, PM1, PM2_supporting, PS4_moderate

Blueprint Genetics
Classification: Likely pathogenic for TERC-related disorders. Last evaluated: 2020-06-09. Review status: criteria provided, single submitter. Criteria: ACMG Guidelines, 2015. Collection method: clinical testing. Allele origin: germline. Affected: yes. Observed: 3 variant alleles.

Degerman lab, Umeå University
Classification: Pathogenic for Pulmonary fibrosis and/or bone marrow failure, Telomere-related, 2. Last evaluated: 2017-11-23. Review status: criteria provided, single submitter. Criteria: ACMG Guidelines, 2015. Collection method: clinical testing. Allele origin: unknown. Affected: yes. Observed: 1 variant allele.

Literature cited by the submitters: PubMed 21931702 (cited by Mayo Clinic Laboratories, Mayo Clinic); PubMed 29483670 (cited by Mayo Clinic Laboratories, Mayo Clinic and Degerman lab, Umeå University); PubMed 34267850 (cited by Mayo Clinic Laboratories, Mayo Clinic); PubMed 39279213 (cited by Mayo Clinic Laboratories, Mayo Clinic).